The following is an entry in ClinVar:

ClinVar aggregate classification (germline): Uncertain significance (1 of 4 stars; one submission).

Conditions:
Early-onset Parkinson disease 20. Also called: PARKINSON DISEASE 20, AUTOSOMAL RECESSIVE EARLY-ONSET. Identifiers: Orphanet 391411, MedGen C3809824, MONDO:0014233, OMIM 615530.
Developmental and epileptic encephalopathy, 53. Also called: Epileptic encephalopathy, early infantile, 53. Identifiers: MedGen C4479313, MONDO:0033362, OMIM 617389.

Allele frequency attached by ClinVar (database versions not stated): gnomAD exomes below 0.00001.
gnomAD v4.1: 2 of 1,613,686 alleles (0.00012%); highest among the groups gnomAD compares: Non-Finnish European, 0.00017%; no homozygotes.

Submission:

Labcorp Genetics (formerly Invitae), Labcorp
Classification: Uncertain significance for Developmental and epileptic encephalopathy, 53; Early-onset Parkinson disease 20. Last evaluated: 2021-09-01. Review status: criteria provided, single submitter. Criteria: Invitae Variant Classification Sherloc (09022015). Collection method: clinical testing. Allele origin: germline.
Comment: This sequence change replaces glycine with aspartic acid at codon 1224 of the SYNJ1 protein (p.Gly1224Asp). The glycine residue is weakly conserved and there is a moderate physicochemical difference between glycine and aspartic acid. This variant is not present in population databases (ExAC no frequency). This variant has not been reported in the literature in individuals affected with SYNJ1-related conditions. Algorithms developed to predict the effect of missense changes on protein structure and function (SIFT, PolyPhen-2, Align-GVGD) all suggest that this variant is likely to be tolerated. In summary, the available evidence is currently insufficient to determine the role of this variant in disease. Therefore, it has been classified as a Variant of Uncertain Significance.

NM_203446.3(SYNJ1):c.3554G>A (p.Gly1185Asp)

Gene: SYNJ1 (synaptojanin 1; minus strand). Cytogenetic location: 21q22.11.
Variant type: single nucleotide variant.
Coding change: c.3554G>A on transcript NM_203446.3 (MANE Select); coding-DNA position 3554, G replaced by A.
Protein change: p.Gly1185Asp; replaces glycine 1185 with aspartic acid.
Molecular consequence: missense variant.
Genome position (GRCh38, 1-based): chr21:32,641,930, C>T on the plus strand (G>A on the coding strand, the complement: SYNJ1 is on the minus strand). VCF-style: chr21-32641930-C-T. GRCh37 (hg19) VCF-style: chr21-34014240-C-T.
Other names: c.3506G>A, p.Gly1169Asp (NM_001160302.2); c.3413G>A, p.Gly1138Asp (NM_001160306.2); c.3671G>A, p.Gly1224Asp (NM_003895.4); short protein forms G1224D, G1138D, G1169D, G1185D.
Identifiers: ClinVar variation 568134 (VCV000568134.8), dbSNP rs1569030684, ClinGen allele CA410065602.